The following is an entry in ClinVar:

ClinVar aggregate classification (germline): Uncertain significance. Review status: criteria provided, single submitter (1 of 4 stars). 2 submissions from 2 submitters: Uncertain significance (1). 1 of the submissions does not count toward it. Last evaluated 2026-02-25.

Conditions:
RAD50-related disorder. Also called: RAD50-related condition.
Hereditary cancer-predisposing syndrome. Also called: Neoplastic Syndromes, Hereditary; Tumor predisposition; Hereditary Cancer Syndrome; Hereditary neoplastic syndrome. Identifiers: Orphanet 140162, MedGen C0027672, MeSH D009386, MONDO:0015356.

Submissions (2):

Ambry Genetics
Classification: Uncertain significance for Hereditary cancer-predisposing syndrome. Last evaluated: 2026-02-25. Review status: criteria provided, single submitter. Criteria: Ambry Variant Classification Scheme 2023. Collection method: clinical testing. Allele origin: germline.
Comment: The p.L129P variant (also known as c.386T>C), located in coding exon 4 of the RAD50 gene, results from a T to C substitution at nucleotide position 386. The leucine at codon 129 is replaced by proline, an amino acid with similar properties. This amino acid position is conserved. In addition, the in silico prediction for this alteration is inconclusive. Based on the available evidence, the clinical significance of this variant remains unclear.

PreventionGenetics, part of Exact Sciences
Classification: Uncertain significance for RAD50-related condition. Last evaluated: 2024-01-04. Review status: no assertion criteria provided. Collection method: clinical testing. Allele origin: germline. Not counted in ClinVar's aggregate classification.
Comment: The RAD50 c.386T>C variant is predicted to result in the amino acid substitution p.Leu129Pro. To our knowledge, this variant has not been reported in the literature or in a large population database, indicating this variant is rare. At this time, the clinical significance of this variant is uncertain due to the absence of conclusive functional and genetic evidence.

NM_005732.4(RAD50):c.386T>C (p.Leu129Pro)

Gene: RAD50 (RAD50 double strand break repair protein; plus strand). Cytogenetic location: 5q31.1.
Variant type: single nucleotide variant.
Coding change: c.386T>C on transcript NM_005732.4 (MANE Select); coding-DNA position 386, T replaced by C.
Protein change: p.Leu129Pro; replaces leucine 129 with proline.
Molecular consequence: missense variant.
Genome position (GRCh38, 1-based): chr5:132,579,337, T>C. VCF-style: chr5-132579337-T-C. GRCh37 (hg19) VCF-style: chr5-131915029-T-C.
Other names: short protein forms L129P.
Identifiers: ClinVar variation 3037802 (VCV003037802.3), dbSNP rs2479615489, ClinGen allele CA360933451.
Genomic context (GRCh38, chr5:132,579,337, plus strand): 5'-AGGTTATTTTACATATATTCTTGATTTTCATTTTCTGTAGGCATGGTGAAAAGGTCAGTC[T>C]GAGCTCTAAGTGTGCAGAAATTGACCGAGAAATGATCAGTTCTCTTGGGGTTTCCAAGGC-3'
Protein context (NP_005723.2, residues 119-139): TRTKHGEKVS[Leu129Pro]SSKCAEIDRE